The following is an entry in ClinVar:

ClinVar aggregate classification (germline): Uncertain significance (1 of 4 stars; one submission).

Conditions:
Immunodeficiency 35 (IMD35). Also called: Susceptibility to infection due to TYK2 deficiency; TYK2 DEFICIENCY; HIES WITH ATYPICAL MYCOBACTERIOSIS, AUTOSOMAL RECESSIVE; HYPER-IgE SYNDROME WITH ATYPICAL MYCOBACTERIOSIS, AUTOSOMAL RECESSIVE. Identifiers: Orphanet 331226, MedGen C1969086, MONDO:0012682, OMIM 611521.

Allele frequency attached by ClinVar (database versions not stated): gnomAD exomes below 0.00001; ExAC 0.00001; 1000 Genomes Project 30x 0.00016; 1000 Genomes Project 0.00020.
gnomAD v4.1: 2 of 1,602,662 alleles (0.00012%); highest among the groups gnomAD compares: South Asian, 0.0022%; no homozygotes.

Submission:

Labcorp Genetics (formerly Invitae), Labcorp
Classification: Uncertain significance for Immunodeficiency 35. Last evaluated: 2022-06-15. Review status: criteria provided, single submitter. Criteria: Invitae Variant Classification Sherloc (09022015). Collection method: clinical testing. Allele origin: germline.
Comment: In summary, the available evidence is currently insufficient to determine the role of this variant in disease. Therefore, it has been classified as a Variant of Uncertain Significance. Algorithms developed to predict the effect of missense changes on protein structure and function are either unavailable or do not agree on the potential impact of this missense change (SIFT: "Not Available"; PolyPhen-2: "Probably Damaging"; Align-GVGD: "Not Available"). ClinVar contains an entry for this variant (Variation ID: 961430). This variant has not been reported in the literature in individuals affected with TYK2-related conditions. This variant is present in population databases (rs549371062, gnomAD 0.003%). This sequence change replaces tyrosine, which is neutral and polar, with serine, which is neutral and polar, at codon 724 of the TYK2 protein (p.Tyr724Ser).

NM_003331.5(TYK2):c.2171A>C (p.Tyr724Ser)

Gene: TYK2 (tyrosine kinase 2; minus strand). Cytogenetic location: 19p13.2.
Variant type: single nucleotide variant.
Coding change: c.2171A>C on transcript NM_003331.5 (MANE Select); coding-DNA position 2171, A replaced by C.
Protein change: p.Tyr724Ser; replaces tyrosine 724 with serine.
Molecular consequence: missense variant.
Genome position (GRCh38, 1-based): chr19:10,359,179, T>G on the plus strand (A>C on the coding strand, the complement: TYK2 is on the minus strand). VCF-style: chr19-10359179-T-G. GRCh37 (hg19) VCF-style: chr19-10469855-T-G.
Other names: short protein forms Y724S.
Identifiers: ClinVar variation 961430 (VCV000961430.10), dbSNP rs549371062, ClinGen allele CA9193168.